The following is an entry in ClinVar:

ClinVar aggregate classification (germline): Uncertain significance. Review status: criteria provided, multiple submitters, no conflicts (2 of 4 stars). 2 submissions from 2 submitters: Uncertain significance (2). Last evaluated 2024-03-24.

Conditions:
Marfan syndrome (MFS). Also called: MARFAN SYNDROME, TYPE I; FBN1-Related Marfan Syndrome; Marfan syndrome type 1; Marfan's syndrome; Marfan syndrome, classic. Identifiers: Orphanet 284963, Orphanet 558, MedGen C0024796, MONDO:0007947, OMIM 154700.

Allele frequency attached by ClinVar (database versions not stated): gnomAD exomes below 0.00001.
gnomAD v4.1: 2 of 1,614,082 alleles (0.00012%); highest among the groups gnomAD compares: Non-Finnish European, 0.00017%; no homozygotes.

Submissions (2):

All of Us Research Program, National Institutes of Health
Classification: Uncertain significance for Marfan syndrome. Last evaluated: 2024-03-24. Review status: criteria provided, single submitter. Criteria: ACMG Guidelines, 2015. Collection method: clinical testing. Allele origin: germline. Inheritance: Autosomal dominant inheritance. Observed: 1 variant allele, 1 heterozygote.
Comment: This missense variant replaces serine with arginine at codon 814 of the FBN1 protein. Computational prediction suggests that this variant may not impact protein structure and function (internally defined REVEL score threshold <= 0.5, PMID: 27666373). To our knowledge, functional studies have not been reported for this variant. This variant has not been reported in individuals affected with FBN1-related disorders in the literature. This variant has not been identified in the general population by the Genome Aggregation Database (gnomAD). The available evidence is insufficient to determine the role of this variant in disease conclusively. Therefore, this variant is classified as a Variant of Uncertain Significance.

This study involves interpretation of variants in research participants for the purpose of population health screening. Participant phenotype was not available at the time of variant classification. Additional details can be found in publication PMID: 35346344, PMCID: PMC8962531

GeneDx
Classification: Uncertain significance. Last evaluated: 2022-07-21. Review status: criteria provided, single submitter. Criteria: GeneDx Variant Classification Process June 2021. Collection method: clinical testing. Allele origin: germline. Affected: yes.
Comment: Has not been previously published as pathogenic or benign to our knowledge; Not observed at significant frequency in large population cohorts (gnomAD); In silico analysis supports that this missense variant does not alter protein structure/function; Although located in a calcium-binding EGF-like domain of the FBN1 gene, it does not affect a cysteine residue within this domain; cysteine substitutions in the calcium-binding EGF-like domains represent the majority of pathogenic missense changes associated with FBN1-related disorders (Collod-Beroud et al., 2003); This variant is associated with the following publications: (PMID: 12938084)

NM_000138.5(FBN1):c.2442T>A (p.Ser814Arg)

Gene: FBN1 (fibrillin 1; minus strand). Cytogenetic location: 15q21.1.
Variant type: single nucleotide variant.
Coding change: c.2442T>A on transcript NM_000138.5 (MANE Select); coding-DNA position 2442, T replaced by A.
Protein change: p.Ser814Arg; replaces serine 814 with arginine.
Molecular consequence: missense variant.
Genome position (GRCh38, 1-based): chr15:48,495,566, A>T on the plus strand (T>A on the coding strand, the complement: FBN1 is on the minus strand). VCF-style: chr15-48495566-A-T. GRCh37 (hg19) VCF-style: chr15-48787763-A-T.
Other names: short protein forms S814R.
Identifiers: ClinVar variation 449842 (VCV000449842.6), dbSNP rs1555399208, ClinGen allele CA392334741.